The following is an entry in ClinVar:

ClinVar aggregate classification (germline): Likely benign. Review status: criteria provided, multiple submitters, no conflicts (2 of 4 stars). 3 submissions from 3 submitters: Likely benign (3). Last evaluated 2026-02-01.

Conditions:
Multiple acyl-CoA dehydrogenase deficiency (MADD). Also called: Glutaric Acidemia type 2; Glutaric aciduria, type 2; Glutaric acidemia type II; GA 2; GA II; ETHYLMALONIC-ADIPICACIDURIA. Identifiers: Orphanet 26791, MedGen C0268596, MONDO:0009282, OMIM 231680.

Allele frequency attached by ClinVar (database versions not stated): gnomAD below 0.00001 and 0.00001; ExAC 0.00003; gnomAD exomes 0.00003 and 0.00004; 1000 Genomes Project 30x 0.00016; 1000 Genomes Project 0.00020.
gnomAD v4.1: 38 of 1,603,454 alleles (0.0024%); highest among the groups gnomAD compares: South Asian, 0.041%; no homozygotes.

Submissions (3):

CeGaT Center for Human Genetics Tuebingen
Classification: Likely benign. Last evaluated: 2026-02-01. Review status: criteria provided, single submitter. Criteria: CeGaT Center For Human Genetics Tuebingen Variant Classification Criteria Version 2. Collection method: clinical testing. Allele origin: germline. Affected: yes. Observed: 1 variant allele.
Comment: ETFDH: BP4, BP7

Labcorp Genetics (formerly Invitae), Labcorp
Classification: Likely benign for Multiple acyl-CoA dehydrogenase deficiency. Last evaluated: 2026-01-20. Review status: criteria provided, single submitter. Criteria: Invitae Variant Classification Sherloc (09022015). Collection method: clinical testing. Allele origin: germline.

Blueprint Genetics
Classification: Likely benign. Last evaluated: 2022-03-18. Review status: criteria provided, single submitter. Criteria: ACMG Guidelines, 2015. Collection method: clinical testing. Allele origin: germline.

NM_004453.4(ETFDH):c.36A>G (p.Ala12=)

Gene: ETFDH (electron transfer flavoprotein dehydrogenase; plus strand). Cytogenetic location: 4q32.1.
Variant type: single nucleotide variant.
Coding change: c.36A>G on transcript NM_004453.4 (MANE Select); coding-DNA position 36, A replaced by G.
Protein change: p.Ala12=; no amino-acid change (alanine 12 retained).
Molecular consequence: synonymous variant. On other transcripts: intron variant (1).
Genome position (GRCh38, 1-based): chr4:158,680,468, A>G. VCF-style: chr4-158680468-A-G. GRCh37 (hg19) VCF-style: chr4-159601620-A-G.
Other names: c.35-1727A>G (NM_001281737.2).
Identifiers: ClinVar variation 792559 (VCV000792559.16), dbSNP rs201254467, ClinGen allele CA3122272.
Genomic context (GRCh38, chr4:158,680,468, plus strand): 5'-CAGTCTACTGAGGAAAACTAATTTTAAGGAAGATAATAATTTTCGTAATTTTTGTGCAGC[A>G]TATCAGTGCTTTCATGCCTTAAAAATTAAGAAAAATTATCTACCTCTATGTGCTACAAGA-3'
Protein context (NP_004444.2, residues 2-22): LVPLAKLSCL[Ala12=]YQCFHALKIK